The following is an entry in ClinVar:

NM_006118.4(HAX1):c.110A>C (p.Glu37Ala)

Gene: HAX1 (HCLS1 associated protein X-1; plus strand). Cytogenetic location: 1q21.3.
Variant type: single nucleotide variant.
Coding change: c.110A>C on transcript NM_006118.4 (MANE Select); coding-DNA position 110, A replaced by C.
Protein change: p.Glu37Ala; replaces glutamic acid 37 with alanine.
Molecular consequence: missense variant. On other transcripts: intron variant (1).
Genome position (GRCh38, 1-based): chr1:154,273,392, A>C. VCF-style: chr1-154273392-A-C. GRCh37 (hg19) VCF-style: chr1-154245868-A-C.
Other names: c.54-88A>C (NM_001018837.2); short protein forms E37A.
Identifiers: ClinVar variation 950107 (VCV000950107.9), dbSNP rs1220347048, ClinGen allele CA342591309.
Genomic context (GRCh38, chr1:154,273,392, plus strand): 5'-TCAGCCACAGAGATCCCTTTTTTGGAGGGATGACTCGAGATGAAGATGATGATGAGGAAG[A>C]AGAAGAAGAAGGGGGCTCATGGGGCCGTGGGAACCCAAGGTTCCATAGTCCTCAGCACCC-3'
Protein context (NP_006109.2, residues 27-47): MTRDEDDDEE[Glu37Ala]EEEGGSWGRG

ClinVar aggregate classification (germline): Uncertain significance (1 of 4 stars; one submission).

Conditions:
Kostmann syndrome (SCN3). Also called: KOSTMANN DISEASE; Autosomal recessive severe congenital neutropenia type 3. Identifiers: Orphanet 99749, MedGen C5235141, MONDO:0012548, OMIM 610738.

Allele frequency attached by ClinVar (database versions not stated): gnomAD exomes below 0.00001.

Submission:

Labcorp Genetics (formerly Invitae), Labcorp
Classification: Uncertain significance for Kostmann syndrome. Last evaluated: 2019-07-16. Review status: criteria provided, single submitter. Criteria: Invitae Variant Classification Sherloc (09022015). Collection method: clinical testing. Allele origin: germline.
Comment: This sequence change replaces glutamic acid with alanine at codon 37 of the HAX1 protein (p.Glu37Ala). The glutamic acid residue is moderately conserved and there is a moderate physicochemical difference between glutamic acid and alanine. In summary, the available evidence is currently insufficient to determine the role of this variant in disease. Therefore, it has been classified as a Variant of Uncertain Significance. Algorithms developed to predict the effect of missense changes on protein structure and function are either unavailable or do not agree on the potential impact of this missense change (SIFT: "Deleterious"; PolyPhen-2: "Benign"; Align-GVGD: "Class C0"). This variant has not been reported in the literature in individuals with HAX1-related conditions. This variant is not present in population databases (ExAC no frequency).